The following is an entry in ClinVar:

ClinVar aggregate classification (germline): Likely pathogenic (1 of 4 stars; one submission).

Conditions:
Autosomal dominant nonsyndromic hearing loss 10. Identifiers: Orphanet 90635, MedGen C1832476, MONDO:0011031, OMIM 601316.

Submission:

Institute of Rare Diseases, West China Hospital, Sichuan University
Classification: Likely pathogenic for Autosomal dominant nonsyndromic hearing loss 10. Last evaluated: 2025-01-09. Review status: criteria provided, single submitter. Criteria: ClinGen HL ACMG Specifications v1. Collection method: research. Allele origin: germline. Affected: yes.
Comment: PVS1;PM2_Supporting

NM_004100.5(EYA4):c.1519A>T (p.Lys507Ter)

Genes: TARID (TCF21 antisense RNA inducing promoter demethylation; minus strand), EYA4 (EYA transcriptional coactivator and phosphatase 4; plus strand). Cytogenetic location: 6q23.2.
Variant type: single nucleotide variant.
Coding change: c.1519A>T on transcript NM_004100.5 (MANE Select); coding-DNA position 1519, A replaced by T.
Protein change: p.Lys507Ter; replaces lysine 507 with a stop codon.
Molecular consequence: nonsense.
Genome position (GRCh38, 1-based): chr6:133,515,338, A>T. VCF-style: chr6-133515338-A-T. GRCh37 (hg19) VCF-style: chr6-133836476-A-T.
Other names: c.1357A>T, p.Lys453Ter (NM_001301012.2); c.1537A>T, p.Lys513Ter (NM_001301013.2); c.1450A>T, p.Lys484Ter (NM_001370458.1, NM_172103.4); c.1375A>T, p.Lys459Ter (NM_001370459.1); c.1519A>T, p.Lys507Ter (NM_172105.4); short protein forms K453*, K459*, K484*, K507*, K513*.
Identifiers: ClinVar variation 3601120 (VCV003601120.1).